The following is an entry in ClinVar:

NM_001278116.2(L1CAM):c.454G>A (p.Glu152Lys)

Gene: L1CAM (L1 cell adhesion molecule; minus strand). Cytogenetic location: Xq28.
Variant type: single nucleotide variant.
Coding change: c.454G>A on transcript NM_001278116.2 (MANE Select); coding-DNA position 454, G replaced by A.
Protein change: p.Glu152Lys; replaces glutamic acid 152 with lysine.
Molecular consequence: missense variant.
Genome position (GRCh38, 1-based): chrX:153,871,126, C>T on the plus strand (G>A on the coding strand, the complement: L1CAM is on the minus strand). VCF-style: chrX-153871126-C-T. GRCh37 (hg19) VCF-style: chrX-153136581-C-T.
Other names: c.454G>A, p.Glu152Lys (NM_000425.5, NM_024003.3); c.439G>A, p.Glu147Lys (NM_001143963.2); short protein forms E147K, E152K.
Identifiers: ClinVar variation 2121602 (VCV002121602.4), dbSNP rs2521026280, ClinGen allele CA415136710.
Genomic context (GRCh38, chrX:153,871,126, plus strand): 5'-TCCAGTAGATCCGGAGAGGCTCTGCACTTGGGGGAGGGTTGCAAGGCAGAACCACTGACT[C>T]CCCTTCCTCCACCTCCACGGGCTTCACTGTCTCCTTTGGCCACTTGGGGGCACCTAGAAG-3'
Protein context (NP_001265045.1, residues 142-162): TVKPVEVEEG[Glu152Lys]SVVLPCNPPP

ClinVar aggregate classification (germline): Uncertain significance (1 of 4 stars; one submission).

Conditions:
Spastic paraplegia. Identifiers: MedGen C0037772, HP:0001258.

Allele frequency attached by ClinVar (database versions not stated): gnomAD exomes below 0.00001.
gnomAD v4.1: 3 of 1,209,720 alleles (0.00025%); highest among the groups gnomAD compares: Non-Finnish European, 0.00034%; no homozygotes.

Submission:

Labcorp Genetics (formerly Invitae), Labcorp
Classification: Uncertain significance for Spastic paraplegia. Last evaluated: 2022-04-04. Review status: criteria provided, single submitter. Criteria: Invitae Variant Classification Sherloc (09022015). Collection method: clinical testing. Allele origin: germline.
Comment: This sequence change replaces glutamic acid, which is acidic and polar, with lysine, which is basic and polar, at codon 152 of the L1CAM protein (p.Glu152Lys). In summary, the available evidence is currently insufficient to determine the role of this variant in disease. Therefore, it has been classified as a Variant of Uncertain Significance. Advanced modeling of protein sequence and biophysical properties (such as structural, functional, and spatial information, amino acid conservation, physicochemical variation, residue mobility, and thermodynamic stability) performed at Invitae indicates that this missense variant is not expected to disrupt L1CAM protein function. This variant has not been reported in the literature in individuals affected with L1CAM-related conditions. This variant is not present in population databases (gnomAD no frequency).